The following is an entry in ClinVar:

ClinVar aggregate classification (germline): Uncertain significance (1 of 4 stars; one submission).

Conditions:
Autosomal dominant hypocalcemia 1 (HYPOC1). Also called: HYPOCALCEMIA, FAMILIAL. Identifiers: MedGen C3715128, MONDO:0011013, OMIM 601198.
Familial hypocalciuric hypercalcemia (FHH). Also called: Familial benign hypercalcemia. Identifiers: Orphanet 405, MedGen C1809471, MONDO:0018458.

Submission:

Labcorp Genetics (formerly Invitae), Labcorp
Classification: Uncertain significance for Familial hypocalciuric hypercalcemia; Autosomal dominant hypocalcemia 1. Last evaluated: 2022-05-25. Review status: criteria provided, single submitter. Criteria: Invitae Variant Classification Sherloc (09022015). Collection method: clinical testing. Allele origin: germline.
Comment: This sequence change replaces glutamine, which is neutral and polar, with proline, which is neutral and non-polar, at codon 735 of the CASR protein (p.Gln735Pro). This variant is not present in population databases (gnomAD no frequency). This missense change has been observed in individual(s) with hypocalcemia (PMID: 21471599, 31672324). In summary, the available evidence is currently insufficient to determine the role of this variant in disease. Therefore, it has been classified as a Variant of Uncertain Significance. Algorithms developed to predict the effect of missense changes on protein structure and function (SIFT, PolyPhen-2, Align-GVGD) all suggest that this variant is likely to be disruptive.

Literature cited by the submitters: PubMed 21471599; PubMed 31672324.

NM_000388.4(CASR):c.2204A>C (p.Gln735Pro)

Gene: CASR (calcium sensing receptor; plus strand). Cytogenetic location: 3q21.1.
Variant type: single nucleotide variant.
Coding change: c.2204A>C on transcript NM_000388.4 (MANE Select); coding-DNA position 2204, A replaced by C.
Protein change: p.Gln735Pro; replaces glutamine 735 with proline.
Molecular consequence: missense variant.
Genome position (GRCh38, 1-based): chr3:122,284,158, A>C. VCF-style: chr3-122284158-A-C. GRCh37 (hg19) VCF-style: chr3-122003005-A-C.
Other names: c.2234A>C, p.Gln745Pro (NM_001178065.2); short protein forms Q745P, Q735P.
Identifiers: ClinVar variation 2203422 (VCV002203422.4), dbSNP rs2473278632, ClinGen allele CA354159020.